The following is an entry in ClinVar:

ClinVar aggregate classification (germline): Uncertain significance (1 of 4 stars; one submission).

Allele frequency attached by ClinVar (database versions not stated): gnomAD exomes below 0.00001; gnomAD 0.00001.
gnomAD v4.1: 8 of 1,614,018 alleles (0.0005%); highest among the groups gnomAD compares: African/African-American, 0.0027%; no homozygotes.

Submission:

Labcorp Genetics (formerly Invitae), Labcorp
Classification: Uncertain significance. Last evaluated: 2021-08-02. Review status: criteria provided, single submitter. Criteria: Invitae Variant Classification Sherloc (09022015). Collection method: clinical testing. Allele origin: germline.
Comment: In summary, the available evidence is currently insufficient to determine the role of this variant in disease. Therefore, it has been classified as a Variant of Uncertain Significance. Algorithms developed to predict the effect of missense changes on protein structure and function (SIFT, PolyPhen-2, Align-GVGD) all suggest that this variant is likely to be tolerated. This variant has not been reported in the literature in individuals affected with SPART-related conditions. This variant is not present in population databases (ExAC no frequency). This sequence change replaces alanine with valine at codon 157 of the SPART protein (p.Ala157Val). The alanine residue is weakly conserved and there is a small physicochemical difference between alanine and valine.

NM_015087.5(SPART):c.470C>T (p.Ala157Val)

Gene: SPART (spartin; minus strand). Cytogenetic location: 13q13.3.
Variant type: single nucleotide variant.
Coding change: c.470C>T on transcript NM_015087.5 (MANE Select); coding-DNA position 470, C replaced by T.
Protein change: p.Ala157Val; replaces alanine 157 with valine.
Molecular consequence: missense variant.
Genome position (GRCh38, 1-based): chr13:36,335,361, G>A on the plus strand (C>T on the coding strand, the complement: SPART is on the minus strand). VCF-style: chr13-36335361-G-A. GRCh37 (hg19) VCF-style: chr13-36909498-G-A.
Other names: c.470C>T, p.Ala157Val (NM_001142294.2, NM_001142295.2, NM_001142296.2); short protein forms A157V.
Identifiers: ClinVar variation 1408771 (VCV001408771.6), dbSNP rs1361856280, ClinGen allele CA387863655.
Genomic context (GRCh38, chr13:36,335,361, plus strand): 5'-TGAGGAGTATAAGCAGGAGGAGCTTCTGCTGGACAACTTTGTGATGGTAAAGACAGAGAA[G>A]CAGGTGCAGCAACTGCCCCTGCACTTGGAGTTGAGGTGTTTCCATTTACTTCAGCATGCT-3'
Protein context (NP_055902.1, residues 147-167): TPSAGAVAAP[Ala157Val]SLSLPSQSCP